The following is an entry in ClinVar:

ClinVar aggregate classification (germline): Uncertain significance (1 of 4 stars; one submission).

Conditions:
Growth hormone insensitivity with immune dysregulation 1, autosomal recessive. Also called: LARON SYNDROME DUE TO POSTRECEPTOR DEFECT; GROWTH HORMONE INSENSITIVITY SYNDROME WITH IMMUNE DYSREGULATION 1, AUTOSOMAL RECESSIVE; GROWTH HORMONE INSENSITIVITY DUE TO POSTRECEPTOR DEFECT; Laron syndrome with immunodeficiency. Identifiers: Orphanet 220465, MedGen C5435698, MONDO:0100211, OMIM 245590.

Submission:

Labcorp Genetics (formerly Invitae), Labcorp
Classification: Uncertain significance for Growth hormone insensitivity with immune dysregulation 1, autosomal recessive. Last evaluated: 2023-07-31. Review status: criteria provided, single submitter. Criteria: Invitae Variant Classification Sherloc (09022015). Collection method: clinical testing. Allele origin: germline.
Comment: In summary, the available evidence is currently insufficient to determine the role of this variant in disease. Therefore, it has been classified as a Variant of Uncertain Significance. Advanced modeling of protein sequence and biophysical properties (such as structural, functional, and spatial information, amino acid conservation, physicochemical variation, residue mobility, and thermodynamic stability) performed at Invitae indicates that this missense variant is not expected to disrupt STAT5B protein function. This variant has not been reported in the literature in individuals affected with STAT5B-related conditions. This variant is not present in population databases (gnomAD no frequency). This sequence change replaces asparagine, which is neutral and polar, with lysine, which is basic and polar, at codon 365 of the STAT5B protein (p.Asn365Lys).

NM_012448.4(STAT5B):c.1095C>G (p.Asn365Lys)

Gene: STAT5B (signal transducer and activator of transcription 5B; minus strand). Cytogenetic location: 17q21.2.
Variant type: single nucleotide variant.
Coding change: c.1095C>G on transcript NM_012448.4 (MANE Select); coding-DNA position 1095, C replaced by G.
Protein change: p.Asn365Lys; replaces asparagine 365 with lysine.
Molecular consequence: missense variant.
Genome position (GRCh38, 1-based): chr17:42,218,225, G>C on the plus strand (C>G on the coding strand, the complement: STAT5B is on the minus strand). VCF-style: chr17-42218225-G-C. GRCh37 (hg19) VCF-style: chr17-40370243-G-C.
Other names: short protein forms N365K.
Identifiers: ClinVar variation 2748850 (VCV002748850.3), dbSNP rs188781721, ClinGen allele CA399585021.